The following is an entry in ClinVar:

NM_001999.4(FBN2):c.6881-1G>C

Gene: FBN2 (fibrillin 2; minus strand). Cytogenetic location: 5q23.3.
Variant type: single nucleotide variant.
Coding change: c.6881-1G>C on transcript NM_001999.4 (MANE Select); the canonical splice acceptor site of the intron before coding-DNA position 6881, G replaced by C.
Molecular consequence: splice acceptor variant.
Genome position (GRCh38, 1-based): chr5:128,286,850, C>G on the plus strand (G>C on the coding strand, the complement: FBN2 is on the minus strand). VCF-style: chr5-128286850-C-G. GRCh37 (hg19) VCF-style: chr5-127622542-C-G.
Other names: NC_000005.9:g.127622542C>G.
Identifiers: ClinVar variation 3344288 (VCV003344288.2).

ClinVar aggregate classification (germline): Uncertain significance (0 of 4 stars; one submission).

Conditions:
FBN2-related disorder. Also called: FBN2-related condition.

Submissions (2):

PreventionGenetics, part of Exact Sciences
Classification: Uncertain significance for FBN2-related condition. Last evaluated: 2024-06-20. Review status: no assertion criteria provided. Collection method: clinical testing. Allele origin: germline.
Comment: The FBN2 c.6881-1G>C variant is predicted to disrupt the AG splice acceptor site and interfere with normal splicing. To our knowledge, this variant has not been reported in the literature or in a large population database, indicating it is rare. This variant is likely to disrupt splicing and may result in a null allele; however, loss-of-function is not a well established mechanism of disease in the 3' half of FBN2, where this variant resides. Although we suspect that this variant may be pathogenic, at this time, the clinical significance is uncertain due to the absence of conclusive functional and genetic evidence.

Dr. Peter K. Rogan Lab, Western University
No classification provided (evidence only). Condition: Malignant tumor of urinary bladder. Review status: no classification provided. Collection method: in vitro. Allele origin: not applicable. Functional consequence: skipped exon. Not counted in ClinVar's aggregate classification.